The following is an entry in ClinVar:

NM_005157.6(ABL1):c.1580A>G (p.Glu527Gly)

Gene: ABL1 (ABL proto-oncogene 1, non-receptor tyrosine kinase; plus strand). Cytogenetic location: 9q34.12.
Variant type: single nucleotide variant.
Coding change: c.1580A>G on transcript NM_005157.6 (MANE Select); coding-DNA position 1580, A replaced by G.
Protein change: p.Glu527Gly; replaces glutamic acid 527 with glycine.
Molecular consequence: missense variant.
Genome position (GRCh38, 1-based): chr9:130,880,566, A>G. VCF-style: chr9-130880566-A-G. GRCh37 (hg19) VCF-style: chr9-133755953-A-G.
Other names: c.1637A>G, p.Glu546Gly (NM_007313.3); short protein forms E527G, E546G.
Identifiers: ClinVar variation 2754011 (VCV002754011.3), dbSNP rs969148028, ClinGen allele CA200649671.

ClinVar aggregate classification (germline): Uncertain significance (1 of 4 stars; one submission).

Allele frequency attached by ClinVar (database versions not stated): gnomAD exomes below 0.00001.
gnomAD v4.1: 1 of 1,613,852 alleles (0.000062%); highest among the groups gnomAD compares: Non-Finnish European, 0.000085%; no homozygotes.

Submission:

Labcorp Genetics (formerly Invitae), Labcorp
Classification: Uncertain significance. Last evaluated: 2023-05-31. Review status: criteria provided, single submitter. Criteria: Invitae Variant Classification Sherloc (09022015). Collection method: clinical testing. Allele origin: germline.
Comment: In summary, the available evidence is currently insufficient to determine the role of this variant in disease. Therefore, it has been classified as a Variant of Uncertain Significance. Advanced modeling of protein sequence and biophysical properties (such as structural, functional, and spatial information, amino acid conservation, physicochemical variation, residue mobility, and thermodynamic stability) performed at Invitae indicates that this missense variant is not expected to disrupt ABL1 protein function. This variant has not been reported in the literature in individuals affected with ABL1-related conditions. This variant is not present in population databases (gnomAD no frequency). This sequence change replaces glutamic acid, which is acidic and polar, with glycine, which is neutral and non-polar, at codon 546 of the ABL1 protein (p.Glu546Gly).